The following is an entry in ClinVar:

ClinVar aggregate classification (germline): Uncertain significance (1 of 4 stars; one submission).

gnomAD v4.1: 5 of 276,742 alleles (0.0018%); highest among the groups gnomAD compares: African/African-American, 0.007%; no homozygotes.

Submission:

Dasa
Classification: Uncertain significance. Last evaluated: 2024-10-31. Review status: criteria provided, single submitter. Criteria: DASA Assertion Criteria. Collection method: clinical testing. Allele origin: germline.
Comment: NM_005565.5(LCP2):c.533C>A (p.Pro178His) is a missense variant that results in the substitution of proline with histidine. This variant has been observed in affected individuals with LCP2-related disorders. Also, this variant is rare in population databases. Computational prediction algorithms are consistent with a benign effect. The currently available literature and clinical evidence are not sufficient to establish a definitive association between this variant and the reported condition. Therefore, this variant is classified as a variant of uncertain significance.

NM_005565.5(LCP2):c.533C>A (p.Pro178His)

Gene: LCP2 (lymphocyte cytosolic protein 2; minus strand). Cytogenetic location: 5q35.1.
Variant type: single nucleotide variant.
Coding change: c.533C>A on transcript NM_005565.5 (MANE Select); coding-DNA position 533, C replaced by A.
Protein change: p.Pro178His; replaces proline 178 with histidine.
Molecular consequence: missense variant.
Genome position (GRCh38, 1-based): chr5:170,268,473, G>T on the plus strand (C>A on the coding strand, the complement: LCP2 is on the minus strand). VCF-style: chr5-170268473-G-T. GRCh37 (hg19) VCF-style: chr5-169695477-G-T.
Other names: short protein forms P178H.
Identifiers: ClinVar variation 4881063 (VCV004881063.2).